The following is an entry in ClinVar:

NM_144999.4(LRRC45):c.1177A>G (p.Thr393Ala)

Gene: LRRC45 (leucine rich repeat containing 45; plus strand). Cytogenetic location: 17q25.3.
Variant type: single nucleotide variant.
Coding change: c.1177A>G on transcript NM_144999.4 (MANE Select); coding-DNA position 1177, A replaced by G.
Protein change: p.Thr393Ala; replaces threonine 393 with alanine.
Molecular consequence: missense variant.
Genome position (GRCh38, 1-based): chr17:82,028,448, A>G. VCF-style: chr17-82028448-A-G. GRCh37 (hg19) VCF-style: chr17-79986324-A-G.
Other names: short protein forms T393A.
Identifiers: ClinVar variation 4993470 (VCV004993470.1).

ClinVar aggregate classification (germline): Uncertain significance (1 of 4 stars; one submission).

Conditions:
LRRC45-related disorder. Also called: LRRC45-related condition.

gnomAD v4.1: 25 of 1,612,680 alleles (0.0016%); highest among the groups gnomAD compares: Non-Finnish European, 0.0021%; no homozygotes.

Submission:

PreventionGenetics, part of Exact Sciences
Classification: Uncertain significance for LRRC45-related condition. Last evaluated: 2025-09-15. Review status: criteria provided, single submitter. Criteria: ACMG Guidelines, 2015. Collection method: clinical testing. Allele origin: germline.
Comment: The LRRC45 c.1177A>G variant is predicted to result in the amino acid substitution p.Thr393Ala. To our knowledge, this variant has not been reported in the literature. This variant is reported in 0.00089% of alleles in individuals of European (Non-Finnish) descent in gnomAD. At this time, the clinical significance of this variant is uncertain due to the absence of conclusive functional and genetic evidence.